The following is an entry in ClinVar:

ClinVar aggregate classification (germline): Uncertain significance. Review status: criteria provided, multiple submitters, no conflicts (2 of 4 stars). 3 submissions from 3 submitters: Uncertain significance (3). Last evaluated 2025-09-08.

Allele frequency attached by ClinVar (database versions not stated): gnomAD 0.00006; ESP Exome Variant Server 0.00008; ExAC 0.00009; TOPMed 0.00012; gnomAD exomes 0.00017.

Submissions (3):

Labcorp Genetics (formerly Invitae), Labcorp
Classification: Uncertain significance. Last evaluated: 2025-09-08. Review status: criteria provided, single submitter. Criteria: Invitae Variant Classification Sherloc (09022015). Collection method: clinical testing. Allele origin: germline.
Comment: This sequence change replaces aspartic acid, which is acidic and polar, with asparagine, which is neutral and polar, at codon 700 of the SIX5 protein (p.Asp700Asn). This variant is present in population databases (rs374469828, gnomAD 0.01%). This variant has not been reported in the literature in individuals affected with SIX5-related conditions. ClinVar contains an entry for this variant (Variation ID: 1992099). An algorithm developed to predict the effect of missense changes on protein structure and function (PolyPhen-2) suggests that this variant is likely to be disruptive. In summary, the available evidence is currently insufficient to determine the role of this variant in disease. Therefore, it has been classified as a Variant of Uncertain Significance.

CeGaT Center for Human Genetics Tuebingen
Classification: Uncertain significance. Last evaluated: 2022-09-01. Review status: criteria provided, single submitter. Criteria: CeGaT Center For Human Genetics Tuebingen Variant Classification Criteria Version 2. Collection method: clinical testing. Allele origin: germline. Affected: yes. Observed: 1 variant allele.

Ambry Genetics
Classification: Uncertain significance. Last evaluated: 2021-09-14. Review status: criteria provided, single submitter. Criteria: Ambry Variant Classification Scheme 2023. Collection method: clinical testing. Allele origin: germline.

NM_175875.5(SIX5):c.2098G>A (p.Asp700Asn)

Gene: SIX5 (SIX homeobox 5; minus strand). Cytogenetic location: 19q13.32.
Variant type: single nucleotide variant.
Coding change: c.2098G>A on transcript NM_175875.5 (MANE Select); coding-DNA position 2098, G replaced by A.
Protein change: p.Asp700Asn; replaces aspartic acid 700 with asparagine.
Molecular consequence: missense variant.
Genome position (GRCh38, 1-based): chr19:45,765,623, C>T on the plus strand (G>A on the coding strand, the complement: SIX5 is on the minus strand). VCF-style: chr19-45765623-C-T. GRCh37 (hg19) VCF-style: chr19-46268881-C-T.
Other names: c.2098G>A (NM_175875.4); short protein forms D700N.
Identifiers: ClinVar variation 1992099 (VCV001992099.29), dbSNP rs374469828, ClinGen allele CA9520411.